The following is an entry in ClinVar:

NM_001111125.3(IQSEC2):c.2057C>T (p.Ala686Val)

Gene: IQSEC2 (IQ motif and Sec7 domain ArfGEF 2; minus strand). Cytogenetic location: Xp11.22.
Variant type: single nucleotide variant.
Coding change: c.2057C>T on transcript NM_001111125.3 (MANE Select); coding-DNA position 2057, C replaced by T.
Protein change: p.Ala686Val; replaces alanine 686 with valine.
Molecular consequence: missense variant.
Genome position (GRCh38, 1-based): chrX:53,250,519, G>A on the plus strand (C>T on the coding strand, the complement: IQSEC2 is on the minus strand). VCF-style: chrX-53250519-G-A. GRCh37 (hg19) VCF-style: chrX-53279701-G-A.
Other names: c.2057C>T, p.Ala686Val (NM_001410736.1); c.1442C>T, p.Ala481Val (NM_015075.2); short protein forms A481V, A686V.
Identifiers: ClinVar variation 3764206 (VCV003764206.1).

ClinVar aggregate classification (germline): Uncertain significance (1 of 4 stars; one submission).

Submission:

GeneDx
Classification: Uncertain significance. Last evaluated: 2024-08-20. Review status: criteria provided, single submitter. Criteria: GeneDx Variant Classification Process June 2021. Collection method: clinical testing. Allele origin: germline. Affected: yes.
Comment: Not observed at significant frequency in large population cohorts (gnomAD); In silico analysis indicates that this missense variant does not alter protein structure/function; Has not been previously published as pathogenic or benign to our knowledge